The following is an entry in ClinVar:

NM_153603.4(COG7):c.2106G>C (p.Glu702Asp)

Gene: COG7 (component of oligomeric golgi complex 7; minus strand). Cytogenetic location: 16p12.2.
Variant type: single nucleotide variant.
Coding change: c.2106G>C on transcript NM_153603.4 (MANE Select); coding-DNA position 2106, G replaced by C.
Protein change: p.Glu702Asp; replaces glutamic acid 702 with aspartic acid.
Molecular consequence: missense variant.
Genome position (GRCh38, 1-based): chr16:23,392,420, C>G on the plus strand (G>C on the coding strand, the complement: COG7 is on the minus strand). VCF-style: chr16-23392420-C-G. GRCh37 (hg19) VCF-style: chr16-23403741-C-G.
Other names: short protein forms E702D.
Identifiers: ClinVar variation 1906614 (VCV001906614.4), dbSNP rs1366920728, ClinGen allele CA395116146.

ClinVar aggregate classification (germline): Uncertain significance (1 of 4 stars; one submission).

Conditions:
COG7 congenital disorder of glycosylation (CDG2E). Also called: CONGENITAL DISORDER OF GLYCOSYLATION, TYPE IIe; CDG IIe. Identifiers: Orphanet 79333, MedGen C2931010, MONDO:0012118, OMIM 608779.

Allele frequency attached by ClinVar (database versions not stated): gnomAD exomes below 0.00001; gnomAD 0.00001.
gnomAD v4.1: 8 of 1,614,034 alleles (0.0005%); highest among the groups gnomAD compares: Non-Finnish European, 0.00068%; no homozygotes.

Submission:

Labcorp Genetics (formerly Invitae), Labcorp
Classification: Uncertain significance for COG7 congenital disorder of glycosylation. Last evaluated: 2022-02-01. Review status: criteria provided, single submitter. Criteria: Invitae Variant Classification Sherloc (09022015). Collection method: clinical testing. Allele origin: germline.
Comment: Algorithms developed to predict the effect of missense changes on protein structure and function (SIFT, PolyPhen-2, Align-GVGD) all suggest that this variant is likely to be tolerated. In summary, the available evidence is currently insufficient to determine the role of this variant in disease. Therefore, it has been classified as a Variant of Uncertain Significance. This variant has not been reported in the literature in individuals affected with COG7-related conditions. This variant is present in population databases (no rsID available, gnomAD 0.0009%). This sequence change replaces glutamic acid, which is acidic and polar, with aspartic acid, which is acidic and polar, at codon 702 of the COG7 protein (p.Glu702Asp).